The following is an entry in ClinVar:

ClinVar aggregate classification (germline): Conflicting classifications of pathogenicity. Review status: criteria provided, conflicting classifications (1 of 4 stars). 5 submissions from 5 submitters: Uncertain significance (1); Benign (1); Likely benign (2). 1 of the submissions does not count toward it. Last evaluated 2024-10-30.

Conditions:
MYH9-related disorder. Identifiers: MedGen C1854520.
Macrothrombocytopenia and granulocyte inclusions with or without nephritis or sensorineural hearing loss (MATINS). Also called: BLEEDING DISORDER, PLATELET-TYPE, 6; MAY-HEGGLIN ANOMALY; DOHLE LEUKOCYTE INCLUSIONS WITH GIANT PLATELETS; MACROTHROMBOCYTOPENIA WITH LEUKOCYTE INCLUSIONS; MYH9-Related Disease (MYH9-RD); SEBASTIAN PLATELET SYNDROME. Identifiers: Orphanet 182050, MedGen C5200934, MONDO:0015912, OMIM 155100.
Autosomal dominant nonsyndromic hearing loss 17. Also called: Deafness, autosomal dominant 17; Autosomal dominant nonsyndromic deafness 17. Identifiers: Orphanet 90635, MedGen C1863659, MONDO:0011350, OMIM 603622.

Allele frequency attached by ClinVar (database versions not stated): TOPMed below 0.00001; gnomAD 0.00001; gnomAD exomes 0.00004; ExAC 0.00016.
gnomAD v4.1: 60 of 1,613,978 alleles (0.0037%); highest among the groups gnomAD compares: South Asian, 0.059%; 1 homozygote.

Submissions (5):

Labcorp Genetics (formerly Invitae), Labcorp
Classification: Benign. Last evaluated: 2024-10-30. Review status: criteria provided, single submitter. Criteria: Invitae Variant Classification Sherloc (09022015). Collection method: clinical testing. Allele origin: germline.

Blueprint Genetics
Classification: Likely benign. Last evaluated: 2024-07-01. Review status: criteria provided, single submitter. Criteria: ACMG Guidelines, 2015. Collection method: clinical testing. Allele origin: germline.

Fulgent Genetics
Classification: Uncertain significance for Macrothrombocytopenia and granulocyte inclusions with or without nephritis or sensorineural hearing loss; Autosomal dominant nonsyndromic hearing loss 17. Last evaluated: 2023-12-27. Review status: criteria provided, single submitter. Criteria: ACMG Guidelines, 2015. Collection method: clinical testing. Allele origin: germline.

CeGaT Center for Human Genetics Tuebingen
Classification: Likely benign. Last evaluated: 2023-06-01. Review status: criteria provided, single submitter. Criteria: CeGaT Center For Human Genetics Tuebingen Variant Classification Criteria Version 2. Collection method: clinical testing. Allele origin: germline. Affected: yes. Observed: 1 variant allele.
Comment: MYH9: BP4, BP7

PreventionGenetics, part of Exact Sciences
Classification: Likely benign for MYH9-related condition. Last evaluated: 2023-08-03. Review status: no assertion criteria provided. Collection method: clinical testing. Allele origin: germline. Not counted in ClinVar's aggregate classification.
Comment: This variant is classified as likely benign based on ACMG/AMP sequence variant interpretation guidelines (Richards et al. 2015 PMID: 25741868, with internal and published modifications).

NM_002473.6(MYH9):c.153C>T (p.Gly51=)

Gene: MYH9 (myosin heavy chain 9; minus strand). Cytogenetic location: 22q12.3.
Variant type: single nucleotide variant.
Coding change: c.153C>T on transcript NM_002473.6 (MANE Select); coding-DNA position 153, C replaced by T.
Protein change: p.Gly51=; no amino-acid change (glycine 51 retained).
Molecular consequence: synonymous variant.
Genome position (GRCh38, 1-based): chr22:36,349,084, G>A on the plus strand (C>T on the coding strand, the complement: MYH9 is on the minus strand). VCF-style: chr22-36349084-G-A. GRCh37 (hg19) VCF-style: chr22-36745129-G-A.
Identifiers: ClinVar variation 2571156 (VCV002571156.33), dbSNP rs748117872, ClinGen allele CA10210714.